The following is an entry in ClinVar:

NM_021102.4(SPINT2):c.266C>T (p.Ala89Val)

Gene: SPINT2 (serine peptidase inhibitor, Kunitz type 2; plus strand). Cytogenetic location: 19q13.2.
Variant type: single nucleotide variant.
Coding change: c.266C>T on transcript NM_021102.4 (MANE Select); coding-DNA position 266, C replaced by T.
Protein change: p.Ala89Val; replaces alanine 89 with valine.
Molecular consequence: missense variant. On other transcripts: intron variant (1).
Genome position (GRCh38, 1-based): chr19:38,283,786, C>T. VCF-style: chr19-38283786-C-T. GRCh37 (hg19) VCF-style: chr19-38774426-C-T.
Other names: c.107-4090C>T (NM_001166103.2); c.266C>T (NM_021102.3); short protein forms A89V.
Identifiers: ClinVar variation 1377937 (VCV001377937.6), dbSNP rs200143906, ClinGen allele CA9411350.

ClinVar aggregate classification (germline): Uncertain significance. Review status: criteria provided, multiple submitters, no conflicts (2 of 4 stars). 2 submissions from 2 submitters: Uncertain significance (2). Last evaluated 2025-12-10.

Conditions:
Inborn genetic diseases. Identifiers: MedGen C0950123, MeSH D030342.

Allele frequency attached by ClinVar (database versions not stated): ExAC 0.00002; TOPMed 0.00008; gnomAD exomes 0.00004 and 0.00005; 1000 Genomes Project 30x 0.00016; 1000 Genomes Project 0.00020; gnomAD 0.00006.
gnomAD v4.1: 72 of 1,612,778 alleles (0.0045%); highest among the groups gnomAD compares: Middle Eastern, 0.033%; no homozygotes.

Submissions (2):

Ambry Genetics
Classification: Uncertain significance for Inborn genetic diseases. Last evaluated: 2025-12-10. Review status: criteria provided, single submitter. Criteria: Ambry Variant Classification Scheme 2023. Collection method: clinical testing. Allele origin: germline.

Labcorp Genetics (formerly Invitae), Labcorp
Classification: Uncertain significance. Last evaluated: 2024-01-02. Review status: criteria provided, single submitter. Criteria: Invitae Variant Classification Sherloc (09022015). Collection method: clinical testing. Allele origin: germline.
Comment: This sequence change replaces alanine, which is neutral and non-polar, with valine, which is neutral and non-polar, at codon 89 of the SPINT2 protein (p.Ala89Val). This variant is present in population databases (rs200143906, gnomAD 0.009%). This variant has not been reported in the literature in individuals affected with SPINT2-related conditions. ClinVar contains an entry for this variant (Variation ID: 1377937). Advanced modeling of protein sequence and biophysical properties (such as structural, functional, and spatial information, amino acid conservation, physicochemical variation, residue mobility, and thermodynamic stability) performed at Invitae indicates that this missense variant is not expected to disrupt SPINT2 protein function with a negative predictive value of 80%. In summary, the available evidence is currently insufficient to determine the role of this variant in disease. Therefore, it has been classified as a Variant of Uncertain Significance.